The following is an entry in ClinVar:

ClinVar aggregate classification (germline): Likely benign (1 of 4 stars; one submission).

Allele frequency attached by ClinVar (database versions not stated): ESP Exome Variant Server 0.00008; ExAC 0.00015; gnomAD 0.00005; TOPMed 0.00006.
gnomAD v4.1: 145 of 1,581,984 alleles (0.0092%); highest among the groups gnomAD compares: Non-Finnish European, 0.011%; no homozygotes.

Submission:

CeGaT Center for Human Genetics Tuebingen
Classification: Likely benign. Last evaluated: 2024-05-01. Review status: criteria provided, single submitter. Criteria: CeGaT Center For Human Genetics Tuebingen Variant Classification Criteria Version 2. Collection method: clinical testing. Allele origin: germline. Affected: yes. Observed: 1 variant allele.
Comment: ZNF292: BP4, BP7

NM_015021.3(ZNF292):c.48C>A (p.Gly16=)

Genes: ZNF292 (zinc finger protein 292; plus strand), LOC129996783 (ATAC-STARR-seq lymphoblastoid active region 24794; plus strand). Cytogenetic location: 6q14.3.
Variant type: single nucleotide variant.
Coding change: c.48C>A on transcript NM_015021.3 (MANE Select); coding-DNA position 48, C replaced by A.
Protein change: p.Gly16=; no amino-acid change (glycine 16 retained).
Molecular consequence: synonymous variant. On other transcripts: 5 prime UTR variant (1).
Genome position (GRCh38, 1-based): chr6:87,155,639, C>A. VCF-style: chr6-87155639-C-A. GRCh37 (hg19) VCF-style: chr6-87865357-C-A.
Other names: c.-518C>A (NM_001351444.2).
Identifiers: ClinVar variation 3239098 (VCV003239098.19), dbSNP rs370959721.